The following is an entry in ClinVar:

NM_000443.4(ABCB4):c.101_102delinsAA (p.Thr34Lys)

Gene: ABCB4 (ATP binding cassette subfamily B member 4; minus strand). Cytogenetic location: 7q21.12.
Variant type: Indel.
Coding change: c.101_102delinsAA on transcript NM_000443.4 (MANE Select); coding-DNA positions 101 to 102, CG replaced by AA.
Protein change: p.Thr34Lys; replaces threonine 34 with lysine.
Molecular consequence: missense variant.
Genome position (GRCh38, 1-based): chr7:87,472,654-87,472,655, CG replaced by TT on the plus strand (CG replaced by AA on the coding strand, the reverse complement: ABCB4 is on the minus strand). VCF-style: chr7-87472654-CG-TT. GRCh37 (hg19) VCF-style: chr7-87101970-CG-TT.
Other names: c.101_102delinsAA, p.Thr34Lys (NM_018849.3, NM_018850.3); short protein forms T34K.
Identifiers: ClinVar variation 503872 (VCV000503872.1), dbSNP rs1554417370, ClinGen allele CA658796951.

ClinVar aggregate classification (germline): Uncertain significance (1 of 4 stars; one submission).

Submission:

GeneDx
Classification: Uncertain significance. Last evaluated: 2017-11-22. Review status: criteria provided, single submitter. Criteria: GeneDx Variant Classification (06012015). Collection method: clinical testing. Allele origin: germline. Affected: yes.
Comment: The c.101_102delCGinsAA variant in the ABCB4 gene has not been reported previously as a pathogenic variant nor as a benign variant, to our knowledge. This variant causes an in-frame deletion of codon Threonine 34, and an insertion of 2 incorrect nucleotides, results in the replacement of this amino acid with a Lysine residue, denoted p.Thr34Lys. The c.101_102delCGinsAA variant is not observed in large population cohorts (Lek et al., 2016). The c.101_102delCGinsAA variant results in a semi-conservative amino acid substitution, which may impact secondary protein structure as these residues differ in some properties. In-silico analyses, including protein predictors and evolutionary conservation, support that this variant does not alter protein structure/function. Therefore, we interpret c.101_102delCGinsAA as a variant of uncertain significance.